The following is an entry in ClinVar:

NM_014639.4(SKIC3):c.3534G>A (p.Val1178=)

Gene: SKIC3 (SKI3 subunit of superkiller complex; minus strand). Cytogenetic location: 5q15.
Variant type: single nucleotide variant.
Coding change: c.3534G>A on transcript NM_014639.4 (MANE Select); coding-DNA position 3534, G replaced by A.
Protein change: p.Val1178=; no amino-acid change (valine 1178 retained).
Molecular consequence: synonymous variant.
Genome position (GRCh38, 1-based): chr5:95,498,399, C>T on the plus strand (G>A on the coding strand, the complement: SKIC3 is on the minus strand). VCF-style: chr5-95498399-C-T. GRCh37 (hg19) VCF-style: chr5-94834103-C-T.
Identifiers: ClinVar variation 702823 (VCV000702823.33), dbSNP rs138607817, ClinGen allele CA3346697.

ClinVar aggregate classification (germline): Benign/Likely benign. Review status: criteria provided, multiple submitters, no conflicts (2 of 4 stars). 3 submissions from 3 submitters: Benign (1); Likely benign (2). Last evaluated 2026-01-25.

Allele frequency attached by ClinVar (database versions not stated): gnomAD exomes 0.00010 and 0.00025; ExAC 0.00037; gnomAD 0.00098 and 0.00108; TOPMed 0.00105; 1000 Genomes Project 0.00120; ESP Exome Variant Server 0.00123; 1000 Genomes Project 30x 0.00141.
gnomAD v4.1: 291 of 1,614,154 alleles (0.018%); highest among the groups gnomAD compares: African/African-American, 0.37%; no homozygotes.

Submissions (3):

Labcorp Genetics (formerly Invitae), Labcorp
Classification: Benign. Last evaluated: 2026-01-25. Review status: criteria provided, single submitter. Criteria: Invitae Variant Classification Sherloc (09022015). Collection method: clinical testing. Allele origin: germline.

Blueprint Genetics
Classification: Likely benign. Last evaluated: 2023-12-05. Review status: criteria provided, single submitter. Criteria: ACMG Guidelines, 2015. Collection method: clinical testing. Allele origin: germline.

CeGaT Center for Human Genetics Tuebingen
Classification: Likely benign. Last evaluated: 2023-02-01. Review status: criteria provided, single submitter. Criteria: CeGaT Center For Human Genetics Tuebingen Variant Classification Criteria Version 2. Collection method: clinical testing. Allele origin: germline. Affected: yes. Observed: 1 variant allele.
Comment: SKIC3: BP4, BP7